The following is an entry in ClinVar:

ClinVar aggregate classification (germline): Benign/Likely benign. Review status: criteria provided, multiple submitters, no conflicts (2 of 4 stars). 5 submissions from 5 submitters: Benign (1); Likely benign (4). Last evaluated 2025-05-27.

Conditions:
Hereditary cancer-predisposing syndrome. Also called: Tumor predisposition; Hereditary Cancer Syndrome; Neoplastic Syndromes, Hereditary; Hereditary neoplastic syndrome. Identifiers: Orphanet 140162, MedGen C0027672, MeSH D009386, MONDO:0015356.
Multiple endocrine neoplasia, type 2 (MEN2). Identifiers: Orphanet 653, MedGen C4048306, MONDO:0019003. Disease mechanism: gain of function.
Multiple endocrine neoplasia type 2A. Also called: MULTIPLE ENDOCRINE NEOPLASIA, TYPE IIA; PTC SYNDROME; SIPPLE SYNDROME; MEN 2A; MEN-2A syndrome; Pheochromocytoma and amyloid producing medullary thyroid carcinoma. Identifiers: Orphanet 247698, Orphanet 653, MedGen C0025268, MeSH D018813, MONDO:0008234, OMIM 171400.

Allele frequency attached by ClinVar (database versions not stated): gnomAD exomes below 0.00001; ExAC 0.00001; gnomAD 0.00001; TOPMed 0.00002.
gnomAD v4.1: 6 of 1,613,626 alleles (0.00037%); highest among the groups gnomAD compares: Non-Finnish European, 0.00051%; no homozygotes.

Submissions (5):

Labcorp Genetics (formerly Invitae), Labcorp
Classification: Likely benign for Multiple endocrine neoplasia, type 2. Last evaluated: 2025-05-27. Review status: criteria provided, single submitter. Criteria: Invitae Variant Classification Sherloc (09022015). Collection method: clinical testing. Allele origin: germline.

Myriad Genetics, Inc.
Classification: Benign for Multiple endocrine neoplasia type 2A. Last evaluated: 2025-02-25. Review status: criteria provided, single submitter. Criteria: Myriad Autosomal Dominant, Autosomal Recessive and X-Linked Classification Criteria (2023). Collection method: clinical testing. Allele origin: unknown.
Comment: This variant is considered benign. This variant is a silent/synonymous amino acid change and it is not expected to impact splicing.

CeGaT Center for Human Genetics Tuebingen
Classification: Likely benign. Last evaluated: 2024-04-01. Review status: criteria provided, single submitter. Criteria: CeGaT Center For Human Genetics Tuebingen Variant Classification Criteria Version 2. Collection method: clinical testing. Allele origin: germline. Affected: yes. Observed: 2 variant alleles.
Comment: RET: BP4, BP7

Ambry Genetics
Classification: Likely benign for Hereditary cancer-predisposing syndrome. Last evaluated: 2015-04-17. Review status: criteria provided, single submitter. Criteria: Ambry Variant Classification Scheme 2023. Collection method: clinical testing. Allele origin: germline.

PreventionGenetics, part of Exact Sciences
Classification: Likely benign. Review status: criteria provided, single submitter. Criteria: ACMG Guidelines, 2015. Collection method: clinical testing. Allele origin: germline.

NM_020975.6(RET):c.1029C>T (p.Asn343=)

Gene: RET (ret proto-oncogene; plus strand). Cytogenetic location: 10q11.21.
Variant type: single nucleotide variant.
Coding change: c.1029C>T on transcript NM_020975.6 (MANE Select); coding-DNA position 1029, C replaced by T.
Protein change: p.Asn343=; no amino-acid change (asparagine 343 retained).
Molecular consequence: synonymous variant. On other transcripts: intron variant (25).
Genome position (GRCh38, 1-based): chr10:43,106,537, C>T. VCF-style: chr10-43106537-C-T. GRCh37 (hg19) VCF-style: chr10-43601985-C-T.
Other names: c.1029C>T, p.Asn343= (NM_000323.2, NM_001406743.1, NM_001406744.1 and 6 more transcripts); c.267C>T, p.Asn89= (NM_001355216.2); c.900C>T, p.Asn300= (NM_001406761.1, NM_001406762.1, NM_001406764.1 and 1 more transcripts); c.741C>T, p.Asn247= (NM_001406766.1, NM_001406767.1, NM_001406770.1); c.867+1344C>T (NM_001406772.1, NM_001406769.1); c.626-2494C>T (NM_001406773.1, NM_001406771.1); c.625+3908C>T (NM_001406782.1, NM_001406780.1, NM_001406779.1 and 3 more transcripts); c.738+1344C>T (NM_001406774.1); and 5 more.
Identifiers: ClinVar variation 261393 (VCV000261393.49), dbSNP rs764668178, ClinGen allele CA030752.